The following is an entry in ClinVar:

NM_001042424.3(NSD2):c.1955C>G (p.Ser652Cys)

Gene: NSD2 (nuclear receptor binding SET domain protein 2; plus strand). Cytogenetic location: 4p16.3.
Variant type: single nucleotide variant.
Coding change: c.1955C>G on transcript NM_001042424.3 (MANE Select); coding-DNA position 1955, C replaced by G.
Protein change: p.Ser652Cys; replaces serine 652 with cysteine.
Molecular consequence: missense variant.
Genome position (GRCh38, 1-based): chr4:1,951,145, C>G. VCF-style: chr4-1951145-C-G. GRCh37 (hg19) VCF-style: chr4-1952872-C-G.
Other names: c.1955C>G, p.Ser652Cys (NM_001440892.1, NM_001440894.1, NM_001440895.1 and 4 more transcripts); c.2054C>G, p.Ser685Cys (NM_001440893.1); c.1748C>G, p.Ser583Cys (NM_001440897.1, NM_001440898.1); c.986C>G, p.Ser329Cys (NM_001440899.1, NM_001440900.1); short protein forms S329C, S652C, S583C, S685C.
Identifiers: ClinVar variation 4993568 (VCV004993568.1).
Genomic context (GRCh38, chr4:1,951,145, plus strand): 5'-CGGGAGACGAGCCCTCGGAGTCCCCATACGAAAGTGCAGACGAAACACAAACTGAAGTAT[C>G]TGTCTCATCCAAAAAGTCTGAGCGAGGAGTGACTGCCAAAAAGGAGTATGTGTGCCAGGT-3'
Protein context (NP_001035889.1, residues 642-662): ESADETQTEV[Ser652Cys]VSSKKSERGV

ClinVar aggregate classification (germline): Uncertain significance (1 of 4 stars; one submission).

Conditions:
NSD2-related disorder. Also called: NSD2-related condition; NSD2 related disorders.

gnomAD v4.1: 1 of 1,614,228 alleles (0.000062%); highest among the groups gnomAD compares: Non-Finnish European, 0.000085%; no homozygotes.

Submission:

PreventionGenetics, part of Exact Sciences
Classification: Uncertain significance for NSD2-related condition. Last evaluated: 2025-09-26. Review status: criteria provided, single submitter. Criteria: ACMG Guidelines, 2015. Collection method: clinical testing. Allele origin: germline.
Comment: The NSD2 c.1955C>G variant is predicted to result in the amino acid substitution p.Ser652Cys. To our knowledge, this variant has not been reported in the literature or in a large population database (gnomAD), indicating this variant is rare. At this time, the clinical significance of this variant is uncertain due to the absence of conclusive functional and genetic evidence.